The following is an entry in ClinVar:

NM_001943.5(DSG2):c.1667T>C (p.Leu556Pro)

Gene: DSG2 (desmoglein 2; plus strand). Cytogenetic location: 18q12.1.
Variant type: single nucleotide variant.
Coding change: c.1667T>C on transcript NM_001943.5 (MANE Select); coding-DNA position 1667, T replaced by C.
Protein change: p.Leu556Pro; replaces leucine 556 with proline.
Molecular consequence: missense variant.
Genome position (GRCh38, 1-based): chr18:31,538,766, T>C. VCF-style: chr18-31538766-T-C. GRCh37 (hg19) VCF-style: chr18-29118729-T-C.
Other names: short protein forms L556P.
Identifiers: ClinVar variation 4758466 (VCV004758466.1).

ClinVar aggregate classification (germline): Uncertain significance (1 of 4 stars; one submission).

Conditions:
Cardiomyopathy (CMYO). Also called: Cardiomyopathies. Identifiers: Orphanet 167848, MedGen C0878544, MONDO:0004994, HP:0001638. Inheritance: Various modes of inheritance.

gnomAD v4.1: 1 of 1,614,236 alleles (0.000062%); highest among the groups gnomAD compares: South Asian, 0.0011%; no homozygotes.

Submission:

Color Diagnostics, LLC DBA Color Health
Classification: Uncertain significance for Cardiomyopathy. Last evaluated: 2025-09-08. Review status: criteria provided, single submitter. Criteria: ACMG Guidelines, 2015. Collection method: clinical testing. Allele origin: germline.
Comment: This missense variant replaces leucine with proline at codon 556 of the DSG2 protein. Computational prediction is inconclusive regarding the impact of this variant on protein structure and function. To our knowledge, functional studies have not been reported for this variant. This variant has not been reported in individuals affected with DSG2-related disorders in the literature. This variant has not been identified in the general population by the Genome Aggregation Database (gnomAD). The available evidence is insufficient to determine the role of this variant in disease conclusively. Therefore, this variant is classified as a Variant of Uncertain Significance.